The following is an entry in ClinVar:

ClinVar aggregate classification (germline): Pathogenic (1 of 4 stars; one submission).

Conditions:
COL1A2-related disorder. Also called: COL1A2-related condition; COL1A2-Related Disorders.

Submission:

PreventionGenetics, part of Exact Sciences
Classification: Pathogenic for COL1A2-related condition. Last evaluated: 2026-06-15. Review status: criteria provided, single submitter. Criteria: ACMG Guidelines, 2015. Collection method: clinical testing. Allele origin: germline.
Comment: The COL1A2 c.2620G>C variant is predicted to result in the amino acid substitution p.Gly874Arg. To our knowledge, this variant has not been reported in the literature or in a large population database (gnomAD), indicating this variant is rare. The p.Gly874 residue is located in the conserved Gly-Xaa-Yaa triple helical domain where substitutions of a glycine are usually pathogenic (Marini et al. 2007. PubMed ID: 17078022). This variant is interpreted as pathogenic.

NM_000089.4(COL1A2):c.2620G>C (p.Gly874Arg)

Gene: COL1A2 (collagen type I alpha 2 chain; plus strand). Cytogenetic location: 7q21.3.
Variant type: single nucleotide variant.
Coding change: c.2620G>C on transcript NM_000089.4 (MANE Select); coding-DNA position 2620, G replaced by C.
Protein change: p.Gly874Arg; replaces glycine 874 with arginine.
Molecular consequence: missense variant.
Genome position (GRCh38, 1-based): chr7:94,424,390, G>C. VCF-style: chr7-94424390-G-C. GRCh37 (hg19) VCF-style: chr7-94053702-G-C.
Other names: short protein forms G874R.
Identifiers: ClinVar variation 4991107 (VCV004991107.1).